The following is an entry in ClinVar:

NM_000052.7(ATP7A):c.2172+5G>A

Gene: ATP7A (ATPase copper transporting alpha; plus strand). Cytogenetic location: Xq21.1.
Variant type: single nucleotide variant.
Coding change: c.2172+5G>A on transcript NM_000052.7 (MANE Select); 5 bases into the intron after coding-DNA position 2172, G replaced by A.
Molecular consequence: intron variant.
Genome position (GRCh38, 1-based): chrX:78,011,679, G>A. VCF-style: chrX-78011679-G-A. GRCh37 (hg19) VCF-style: chrX-77267176-G-A.
Other names: c.2172+5G>A (NM_001282224.2).
Identifiers: ClinVar variation 1345204 (VCV001345204.6), dbSNP rs797045347, ClinGen allele CA2573159563.
Genomic context (GRCh38, chrX:78,011,679, plus strand): 5'-TTCCAGGATTGTCTGTTATGAATTTGCTGTCCTTTTTATTGTGTGTACCTGTACAGGCAA[G>A]TGAATTGTTAGCAAATATATTTGTTAATAATAAAAAATAAGCAAAATTTGGCAGGCAAGG-3'

ClinVar aggregate classification (germline): Likely pathogenic (1 of 4 stars; one submission).

Conditions:
Cutis laxa, X-linked (OHS). Also called: EDS IX; Occipital horn syndrome. Identifiers: Orphanet 198, MedGen C0268353, MONDO:0010572, OMIM 304150.
X-linked distal spinal muscular atrophy type 3. Also called: SPINAL MUSCULAR ATROPHY, DISTAL, X-LINKED RECESSIVE; ATP7A-Related Distal Motor Neuropathy; NEURONOPATHY, DISTAL HEREDITARY MOTOR, X-LINKED; NEUROPATHY, DISTAL HEREDITARY MOTOR, X-LINKED. Identifiers: Orphanet 139557, MedGen C1845359, MONDO:0010338, OMIM 300489.
Menkes kinky-hair syndrome (MNK). Also called: Copper transport disease; Classic Menkes Disease; Menkes Disease. Identifiers: Orphanet 565, MedGen C0022716, MONDO:0010651, OMIM 309400.

Submission:

Labcorp Genetics (formerly Invitae), Labcorp
Classification: Likely pathogenic for X-linked distal spinal muscular atrophy type 3; Cutis laxa, X-linked; Menkes kinky-hair syndrome. Last evaluated: 2022-08-08. Review status: criteria provided, single submitter. Criteria: Invitae Variant Classification Sherloc (09022015). Collection method: clinical testing. Allele origin: germline.
Comment: In summary, the currently available evidence indicates that the variant is pathogenic, but additional data are needed to prove that conclusively. Therefore, this variant has been classified as Likely Pathogenic. This sequence change falls in intron 9 of the ATP7A gene. It does not directly change the encoded amino acid sequence of the ATP7A protein. It affects a nucleotide within the consensus splice site. This variant is not present in population databases (gnomAD no frequency). This variant has been observed in individuals with clinical features of Menkes disease (Invitae). ClinVar contains an entry for this variant (Variation ID: 1345204). Variants that disrupt the consensus splice site are a relatively common cause of aberrant splicing (PMID: 17576681, 9536098). Algorithms developed to predict the effect of sequence changes on RNA splicing suggest that this variant may disrupt the consensus splice site. This variant disrupts the c.2172+5G nucleotide in the ATP7A gene. Other variant(s) that disrupt this nucleotide have been determined to be pathogenic (PMID: 10319589, 21494555). This suggests that this nucleotide is clinically significant, and that variants that disrupt this position are likely to be disease-causing.

Literature cited by the submitters: PubMed 17576681; PubMed 9536098; PubMed 10319589; PubMed 21494555.